The following is an entry in ClinVar:

NM_018076.5(ODAD2):c.1721A>G (p.Gln574Arg)

Gene: ODAD2 (outer dynein arm docking complex subunit 2; minus strand). Cytogenetic location: 10p12.1.
Variant type: single nucleotide variant.
Coding change: c.1721A>G on transcript NM_018076.5 (MANE Select); coding-DNA position 1721, A replaced by G.
Protein change: p.Gln574Arg; replaces glutamine 574 with arginine.
Molecular consequence: missense variant.
Genome position (GRCh38, 1-based): chr10:27,944,244, T>C on the plus strand (A>G on the coding strand, the complement: ODAD2 is on the minus strand). VCF-style: chr10-27944244-T-C. GRCh37 (hg19) VCF-style: chr10-28233173-T-C.
Other names: c.1721A>G (NM_018076.2); c.1721A>G, p.Gln574Arg (NM_001290020.2); c.296A>G, p.Gln99Arg (NM_001290021.2); c.797A>G, p.Gln266Arg (NM_001312689.2); short protein forms Q574R, Q99R, Q266R.
Identifiers: ClinVar variation 1969747 (VCV001969747.6), dbSNP rs764996710, ClinGen allele CA5453445.

ClinVar aggregate classification (germline): Uncertain significance. Review status: criteria provided, multiple submitters, no conflicts (2 of 4 stars). 2 submissions from 2 submitters: Uncertain significance (2). Last evaluated 2024-03-28.

Conditions:
Primary ciliary dyskinesia. Also called: Ciliary dyskinesia. Identifiers: Orphanet 244, MedGen C0008780, MONDO:0016575, HP:0012265.
Primary ciliary dyskinesia 23 (CILD23). Also called: CILIARY DYSKINESIA, PRIMARY, 23, WITH OR WITHOUT SITUS INVERSUS. Identifiers: Orphanet 244, MedGen C3809548, MONDO:0014193, OMIM 615451.

Allele frequency attached by ClinVar (database versions not stated): ExAC 0.00001; gnomAD exomes 0.00001; TOPMed 0.00002.
gnomAD v4.1: 11 of 1,613,160 alleles (0.00068%); highest among the groups gnomAD compares: Admixed American, 0.0017%; no homozygotes.

Submissions (2):

Ambry Genetics
Classification: Uncertain significance for Primary ciliary dyskinesia. Last evaluated: 2024-03-28. Review status: criteria provided, single submitter. Criteria: Ambry Variant Classification Scheme 2023. Collection method: clinical testing. Allele origin: germline.
Comment: The p.Q574R variant (also known as c.1721A>G), located in coding exon 11 of the ARMC4 gene, results from an A to G substitution at nucleotide position 1721. The glutamine at codon 574 is replaced by arginine, an amino acid with highly similar properties. This amino acid position is conserved. In addition, this alteration is predicted to be tolerated by in silico analysis. Based on the available evidence, the clinical significance of this alteration remains unclear.

Labcorp Genetics (formerly Invitae), Labcorp
Classification: Uncertain significance for Primary ciliary dyskinesia 23. Last evaluated: 2022-04-26. Review status: criteria provided, single submitter. Criteria: Invitae Variant Classification Sherloc (09022015). Collection method: clinical testing. Allele origin: germline.
Comment: In summary, the available evidence is currently insufficient to determine the role of this variant in disease. Therefore, it has been classified as a Variant of Uncertain Significance. Algorithms developed to predict the effect of missense changes on protein structure and function output the following: SIFT: "Tolerated"; PolyPhen-2: "Benign"; Align-GVGD: "Class C0". The arginine amino acid residue is found in multiple mammalian species, which suggests that this missense change does not adversely affect protein function. This variant has not been reported in the literature in individuals affected with ARMC4-related conditions. This variant is present in population databases (rs764996710, gnomAD 0.01%). This sequence change replaces glutamine, which is neutral and polar, with arginine, which is basic and polar, at codon 574 of the ARMC4 protein (p.Gln574Arg).